The following is an entry in ClinVar:

ClinVar aggregate classification (germline): Uncertain significance (1 of 4 stars; one submission).

Submission:

GeneDx
Classification: Uncertain significance. Last evaluated: 2025-06-01. Review status: criteria provided, single submitter. Criteria: GeneDx Variant Classification Process June 2021. Collection method: clinical testing. Allele origin: germline. Affected: yes.
Comment: Not observed at significant frequency in large population cohorts (gnomAD); In silico analysis supports that this missense variant has a deleterious effect on protein structure/function; Has not been previously published as pathogenic or benign to our knowledge

NM_012250.6(RRAS2):c.263G>C (p.Gly88Ala)

Gene: RRAS2 (RAS related 2; minus strand). Cytogenetic location: 11p15.2.
Variant type: single nucleotide variant.
Coding change: c.263G>C on transcript NM_012250.6 (MANE Select); coding-DNA position 263, G replaced by C.
Protein change: p.Gly88Ala; replaces glycine 88 with alanine.
Molecular consequence: missense variant.
Genome position (GRCh38, 1-based): chr11:14,294,796, C>G on the plus strand (G>C on the coding strand, the complement: RRAS2 is on the minus strand). VCF-style: chr11-14294796-C-G. GRCh37 (hg19) VCF-style: chr11-14316342-C-G.
Other names: c.32G>C, p.Gly11Ala (NM_001102669.3, NM_001177315.2, NM_001440709.1 and 6 more transcripts); c.158G>C, p.Gly53Ala (NM_001177314.2); c.263G>C, p.Gly88Ala (NM_001440708.1); short protein forms G11A, G53A, G88A.
Identifiers: ClinVar variation 4532764 (VCV004532764.1).